The following is an entry in ClinVar:

NM_001161352.2(KCNMA1):c.2291T>C (p.Leu764Pro)

Genes: KCNMA1-AS1 (KCNMA1 antisense RNA 1; plus strand), KCNMA1 (potassium calcium-activated channel subfamily M alpha 1; minus strand). Cytogenetic location: 10q22.3.
Variant type: single nucleotide variant.
Coding change: c.2291T>C on transcript NM_001161352.2 (MANE Select); coding-DNA position 2291, T replaced by C.
Protein change: p.Leu764Pro; replaces leucine 764 with proline.
Molecular consequence: missense variant.
Genome position (GRCh38, 1-based): chr10:76,970,043, A>G on the plus strand (T>C on the coding strand, the complement: KCNMA1 is on the minus strand). VCF-style: chr10-76970043-A-G. GRCh37 (hg19) VCF-style: chr10-78729801-A-G.
Other names: c.2129T>C, p.Leu710Pro (NM_001014797.3, NM_001322835.2, NM_001322837.2); c.2117T>C, p.Leu706Pro (NM_001161353.2, NM_001322832.2, NM_002247.4); c.1967T>C, p.Leu656Pro (NM_001271518.2); c.2126T>C, p.Leu709Pro (NM_001271519.2, NM_001322829.2, NM_001322836.2); c.2138T>C, p.Leu713Pro (NM_001322830.2); c.1664T>C, p.Leu555Pro (NM_001322838.2); short protein forms L710P, L713P, L555P, L706P, L709P, L764P, L656P.
Identifiers: ClinVar variation 639745 (VCV000639745.5), dbSNP rs781228418, ClinGen allele CA5568136.

ClinVar aggregate classification (germline): Uncertain significance. Review status: criteria provided, multiple submitters, no conflicts (2 of 4 stars). 2 submissions from 2 submitters: Uncertain significance (2). Last evaluated 2023-12-14.

Conditions:
Generalized epilepsy-paroxysmal dyskinesia syndrome (PNKD3). Also called: Generalized epilepsy and paroxysmal dyskinesia; Paroxysmal nonkinesigenic dyskinesia, 3, with or without generalized epilepsy. Identifiers: Orphanet 79137, MedGen C5574945, MONDO:0012276, OMIM 609446.

Allele frequency attached by ClinVar (database versions not stated): TOPMed below 0.00001; ExAC 0.00001.
gnomAD v4.1: 2 of 1,613,784 alleles (0.00012%); highest among the groups gnomAD compares: Admixed American, 0.0017%; no homozygotes.

Submissions (2):

GeneDx
Classification: Uncertain significance. Last evaluated: 2023-12-14. Review status: criteria provided, single submitter. Criteria: GeneDx Variant Classification Process June 2021. Collection method: clinical testing. Allele origin: germline. Affected: yes.
Comment: Not observed at significant frequency in large population cohorts (gnomAD); In silico analysis supports that this missense variant does not alter protein structure/function; Has not been previously published as pathogenic or benign to our knowledge

Labcorp Genetics (formerly Invitae), Labcorp
Classification: Uncertain significance for Generalized epilepsy-paroxysmal dyskinesia syndrome. Last evaluated: 2021-08-28. Review status: criteria provided, single submitter. Criteria: Invitae Variant Classification Sherloc (09022015). Collection method: clinical testing. Allele origin: germline.